The following is an entry in ClinVar:

NM_016343.4(CENPF):c.2088G>A (p.Gln696=)

Gene: CENPF (centromere protein F; plus strand). Cytogenetic location: 1q41.
Variant type: single nucleotide variant.
Coding change: c.2088G>A on transcript NM_016343.4 (MANE Select); coding-DNA position 2088, G replaced by A.
Protein change: p.Gln696=; no amino-acid change (glutamine 696 retained).
Molecular consequence: synonymous variant.
Genome position (GRCh38, 1-based): chr1:214,640,426, G>A. VCF-style: chr1-214640426-G-A. GRCh37 (hg19) VCF-style: chr1-214813769-G-A.
Identifiers: ClinVar variation 4872261 (VCV004872261.2).

ClinVar aggregate classification (germline): Likely benign (1 of 4 stars; one submission).

gnomAD v4.1: 21 of 1,613,902 alleles (0.0013%); highest among the groups gnomAD compares: South Asian, 0.011%; no homozygotes.

Submission:

CeGaT Center for Human Genetics Tuebingen
Classification: Likely benign. Last evaluated: 2026-06-01. Review status: criteria provided, single submitter. Criteria: CeGaT Center For Human Genetics Tuebingen Variant Classification Criteria Version 2. Collection method: clinical testing. Allele origin: germline. Affected: yes. Observed: 1 variant allele.
Comment: CENPF: BP4, BP7